The following is an entry in ClinVar:

ClinVar aggregate classification (germline): Uncertain significance (1 of 4 stars; one submission).

Conditions:
MHC class I deficiency. Identifiers: Orphanet 34592, MedGen C6024714, MONDO:0011476.

Allele frequency attached by ClinVar (database versions not stated): TOPMed 0.00001; gnomAD exomes 0.00001; ExAC 0.00005.

Submission:

Labcorp Genetics (formerly Invitae), Labcorp
Classification: Uncertain significance for MHC class I deficiency 1. Last evaluated: 2021-09-01. Review status: criteria provided, single submitter. Criteria: Invitae Variant Classification Sherloc (09022015). Collection method: clinical testing. Allele origin: germline.
Comment: This sequence change replaces arginine with proline at codon 43 of the TAP1 protein (p.Arg43Pro). The arginine residue is weakly conserved and there is a moderate physicochemical difference between arginine and proline. This variant is present in population databases (rs754168270, ExAC 0.02%). This variant has not been reported in the literature in individuals affected with TAP1-related conditions. Algorithms developed to predict the effect of missense changes on protein structure and function (SIFT, PolyPhen-2, Align-GVGD) all suggest that this variant is likely to be tolerated. In summary, the available evidence is currently insufficient to determine the role of this variant in disease. Therefore, it has been classified as a Variant of Uncertain Significance.

NM_000593.6(TAP1):c.-53G>C

Gene: TAP1 (transporter 1, ATP binding cassette subfamily B member; minus strand). Cytogenetic location: 6p21.32.
Variant type: single nucleotide variant.
Coding change: c.-53G>C on transcript NM_000593.6 (MANE Select); 53 bases upstream of the start codon, G replaced by C.
Molecular consequence: 5 prime UTR variant.
Genome position (GRCh38, 1-based): chr6:32,853,689, C>G on the plus strand (G>C on the coding strand, the complement: TAP1 is on the minus strand). VCF-style: chr6-32853689-C-G. GRCh37 (hg19) VCF-style: chr6-32821466-C-G.
Other names: short protein forms R43P.
Identifiers: ClinVar variation 570179 (VCV000570179.8), dbSNP rs754168270, ClinGen allele CA3747101.
Genomic context (GRCh38, chr6:32,853,689, plus strand): 5'-CTAGCCATTGGCACTCGGACGCCGTCCCGGTCCCGGCCGGGCCTGGGACTCTCCGCGCCC[C>G]GGTGGGGCCTGAAGCTCCGGGTACCGCCGAGTCCTCCCCTACTGGCGGCTGGGGGAGGGA-3'